The following is an entry in ClinVar:

ClinVar aggregate classification (germline): Conflicting classifications of pathogenicity. Review status: criteria provided, conflicting classifications (1 of 4 stars). 4 submissions from 4 submitters: Uncertain significance (3); Likely benign (1). Last evaluated 2026-01-18.

Conditions:
Monogenic diabetes. Identifiers: Orphanet 183625, MedGen C3888631, MONDO:0015967.
Congenital generalized lipodystrophy type 1 (CGL1). Also called: BRUNZELL SYNDROME, AGPAT2-RELATED; Berardinelli-Seip Congenital Lipodystrophy Type 1. Identifiers: Orphanet 528, Orphanet 696189, MedGen C1720862, MONDO:0012071, OMIM 608594.

Allele frequency attached by ClinVar (database versions not stated): gnomAD exomes 0.00008 and 0.00022; ExAC 0.00026; 1000 Genomes Project 30x 0.00078; gnomAD 0.00082 and 0.00085; ESP Exome Variant Server 0.00085; TOPMed 0.00091; 1000 Genomes Project 0.00100.
gnomAD v4.1: 231 of 1,517,790 alleles (0.015%); highest among the groups gnomAD compares: African/African-American, 0.3%; 1 homozygote.

Submissions (4):

Labcorp Genetics (formerly Invitae), Labcorp
Classification: Likely benign. Last evaluated: 2026-01-18. Review status: criteria provided, single submitter. Criteria: Invitae Variant Classification Sherloc (09022015). Collection method: clinical testing. Allele origin: germline.

New York Genome Center
Classification: Uncertain significance for Congenital generalized lipodystrophy type 1. Last evaluated: 2021-04-09. Review status: criteria provided, single submitter. Criteria: NYGC Assertion Criteria 2020. Collection method: clinical testing. Allele origin: germline. Observed: 1 heterozygote.

Personalized Diabetes Medicine Program, University of Maryland School of Medicine
Classification: Uncertain significance for Monogenic diabetes. Last evaluated: 2015-10-16. Review status: criteria provided, single submitter. Criteria: ACMG Guidelines, 2015. Collection method: research. Allele origin: unknown. Observed: 1 variant allele, 1 heterozygote.
Comment: ACMG Criteria: PP3, BP4

Clinical Genomics, Uppaluri K&H Personalized Medicine Clinic
Classification: Uncertain significance for Congenital generalized lipodystrophy type 1. Review status: criteria provided, single submitter. Criteria: K And H Uppaluri Personalized Medicine Clinic Variant Classification And Assertion Criteria Updated V 2. Collection method: research. Allele origin: unknown. Inheritance: Autosomal recessive inheritance.
Comment: Potent mutations in AGPAT2 gene are associated with Congenital generalized lipodystrophy, type 1, which can present with insulin resistance, fatty liver and diabetes. However, the role of this particular variant rs142248792 in Congenital generalized lipodystrophy is yet to be ascertained.

Literature cited by the submitters: PubMed 11967537 (cited by Clinical Genomics, Uppaluri K&H Personalized Medicine Clinic); PubMed 12826327 (cited by Clinical Genomics, Uppaluri K&H Personalized Medicine Clinic).

NM_006412.4(AGPAT2):c.640A>G (p.Lys214Glu)

Gene: AGPAT2 (1-acylglycerol-3-phosphate O-acyltransferase 2; minus strand). Cytogenetic location: 9q34.3.
Variant type: single nucleotide variant.
Coding change: c.640A>G on transcript NM_006412.4 (MANE Select); coding-DNA position 640, A replaced by G.
Protein change: p.Lys214Glu; replaces lysine 214 with glutamic acid.
Molecular consequence: missense variant.
Genome position (GRCh38, 1-based): chr9:136,674,756, T>C on the plus strand (A>G on the coding strand, the complement: AGPAT2 is on the minus strand). VCF-style: chr9-136674756-T-C. GRCh37 (hg19) VCF-style: chr9-139569208-T-C.
Other names: c.544A>G, p.Lys182Glu (NM_001012727.2); short protein forms K214E, K182E.
Identifiers: ClinVar variation 393424 (VCV000393424.12), dbSNP rs142248792, ClinGen allele CA5342897.